The following is an entry in ClinVar:

ClinVar aggregate classification (germline): Likely benign (0 of 4 stars; one submission).

Conditions:
COG6-related disorder.

gnomAD v4.1: 1 of 1,340,952 alleles (0.000075%); highest among the groups gnomAD compares: African/African-American, 0.0014%; no homozygotes.

Submission:

PreventionGenetics, part of Exact Sciences
Classification: Likely benign for COG6-related condition. Last evaluated: 2019-02-19. Review status: no assertion criteria provided. Collection method: clinical testing. Allele origin: germline.
Comment: This variant is classified as likely benign based on ACMG/AMP sequence variant interpretation guidelines (Richards et al. 2015 PMID: 25741868, with internal and published modifications).

NM_020751.3(COG6):c.1167-10T>C

Gene: COG6 (component of oligomeric golgi complex 6; plus strand). Cytogenetic location: 13q14.11.
Variant type: single nucleotide variant.
Coding change: c.1167-10T>C on transcript NM_020751.3 (MANE Select); 10 bases into the intron before coding-DNA position 1167, T replaced by C.
Molecular consequence: intron variant.
Genome position (GRCh38, 1-based): chr13:39,699,491, T>C. VCF-style: chr13-39699491-T-C. GRCh37 (hg19) VCF-style: chr13-40273628-T-C.
Other names: c.1167-10T>C (NM_001145079.2).
Identifiers: ClinVar variation 3043513 (VCV003043513.2), dbSNP rs1039077969, ClinGen allele CA248876105.